The following is an entry in ClinVar:

NC_000012.12:g.40483430T>A

Gene: MUC19 (mucin 19, oligomeric (gene/pseudogene); plus strand). Cytogenetic location: 12q12.
Variant type: single nucleotide variant.
Genome position: GRCh38 VCF-style: chr12-40483430-T-A. GRCh37 (hg19) VCF-style: chr12-40877232-T-A.
Identifiers: ClinVar variation 3770917 (VCV003770917.13).
Genomic context (GRCh38, chr12:40,483,430, plus strand): 5'-TGACAGGGACAACTAGACCATCAGCTGGGGTAACAGGGACAACAGGACTATCAGCTGAAG[T>A]GACAGAGATAACTGGAATATCAGCTGTGGTGACAGGGACAACTGGACCATCAGCTGGGGT-3'

ClinVar aggregate classification (germline): Likely benign (1 of 4 stars; one submission).

Submission:

CeGaT Center for Human Genetics Tuebingen
Classification: Likely benign. Last evaluated: 2025-02-01. Review status: criteria provided, single submitter. Criteria: CeGaT Center For Human Genetics Tuebingen Variant Classification Criteria Version 2. Collection method: clinical testing. Allele origin: germline. Affected: yes. Observed: 1 variant allele.
Comment: MUC19: BS2